The following is an entry in ClinVar:

NM_000548.5(TSC2):c.774+2T>A

Gene: TSC2 (TSC complex subunit 2; plus strand). Cytogenetic location: 16p13.3.
Variant type: single nucleotide variant.
Coding change: c.774+2T>A on transcript NM_000548.5 (MANE Select); the canonical splice donor site of the intron after coding-DNA position 774, T replaced by A.
Molecular consequence: splice donor variant.
Genome position (GRCh38, 1-based): chr16:2,056,771, T>A. VCF-style: chr16-2056771-T-A. GRCh37 (hg19) VCF-style: chr16-2106772-T-A.
Other names: c.-658+2T>A (NM_001406693.1, NM_001406689.1, NM_001406690.1 and 4 more transcripts); c.864+2T>A (NM_001406667.1, NM_001406668.1); c.174+2T>A (NM_001406680.1, NM_001406683.1, NM_001406687.1 and 6 more transcripts); c.-834+2T>A (NM_001406698.1); c.774+2T>A (NM_001114382.3, NM_001406663.1, NM_001406664.1 and 6 more transcripts); c.-539+2T>A (NM_001406694.1, NM_001406695.1); c.762+2T>A (NM_001406671.1, NM_001406673.1); c.312+2T>A (NM_001406681.1); and 4 more.
Identifiers: ClinVar variation 49385 (VCV000049385.4), dbSNP rs45517129, ClinGen allele CA022955.
Genomic context (GRCh38, chr16:2,056,771, plus strand): 5'-TCATCGTTACCCTCTGTCGCACCATCAACGTCAAGGAGCTCTGCGAGCCTTGCTGGAAGG[T>A]GGGGTTTCTGAAACTGCTCTGGAAGGTTCCTGAGAGCACATGGATGGGACAAGGGCCATC-3'

ClinVar aggregate classification (germline): Pathogenic. Review status: criteria provided, single submitter (1 of 4 stars). 2 submissions from 2 submitters: Pathogenic (1). 1 of the submissions does not count toward it. Last evaluated 2022-11-02.

Conditions:
Tuberous sclerosis syndrome (TSC). Also called: Tuberous Sclerosis Complex; Tuberous sclerosis. Identifiers: Orphanet 805, MedGen C0041341, MONDO:0001734.

Submissions (2):

GeneDx
Classification: Pathogenic. Last evaluated: 2022-11-02. Review status: criteria provided, single submitter. Criteria: GeneDx Variant Classification Process June 2021. Collection method: clinical testing. Allele origin: germline. Affected: yes.
Comment: Canonical splice site variant expected to result in aberrant splicing, although in the absence of functional evidence the actual effect of this sequence change is unknown.; Deletions involving coding exons of this gene are a known mechanism of disease (HGMD); Not observed at significant frequency in large population cohorts (gnomAD); This variant is associated with the following publications: (PMID: 25525159, 11520734, 18466115, 29476190, 11112665, 10735580)

Tuberous sclerosis database (TSC2)
No classification provided. Condition: TSC. Review status: no classification provided. Criteria: Tuberous Sclerosis Database Assertion Criteria 2015. Collection method: curation. Allele origin: germline. Affected: yes. Not counted in ClinVar's aggregate classification.